The following is an entry in ClinVar:

NM_152641.4(ARID2):c.5180C>G (p.Pro1727Arg)

Gene: ARID2 (AT-rich interaction domain 2; plus strand). Cytogenetic location: 12q12.
Variant type: single nucleotide variant.
Coding change: c.5180C>G on transcript NM_152641.4 (MANE Select); coding-DNA position 5180, C replaced by G.
Protein change: p.Pro1727Arg; replaces proline 1727 with arginine.
Molecular consequence: missense variant.
Genome position (GRCh38, 1-based): chr12:45,893,452, C>G. VCF-style: chr12-45893452-C-G. GRCh37 (hg19) VCF-style: chr12-46287235-C-G.
Other names: c.5180C>G, p.Pro1727Arg (NM_001347839.2); short protein forms P1727R.
Identifiers: ClinVar variation 1700964 (VCV001700964.2), dbSNP rs2136462199, ClinGen allele CA384498699.

ClinVar aggregate classification (germline): Uncertain significance (1 of 4 stars; one submission).

Submission:

GeneDx
Classification: Uncertain significance. Last evaluated: 2022-02-10. Review status: criteria provided, single submitter. Criteria: GeneDx Variant Classification Process June 2021. Collection method: clinical testing. Allele origin: germline. Affected: yes.
Comment: Not observed at significant frequency in large population cohorts (gnomAD); In silico analysis supports that this missense variant has a deleterious effect on protein structure/function; Has not been previously published as pathogenic or benign to our knowledge